The following is an entry in ClinVar:

ClinVar aggregate classification (germline): Likely benign. Review status: criteria provided, multiple submitters, no conflicts (2 of 4 stars). 3 submissions from 3 submitters: Likely benign (2). 1 of the submissions does not count toward it. Last evaluated 2025-12-09.

Conditions:
Spermatogenic failure 18. Identifiers: MedGen C4539783, MONDO:0054615, OMIM 617576.
Ciliary dyskinesia, primary, 37 (CILD37). Also called: CILIARY DYSKINESIA, PRIMARY, 37, WITH OR WITHOUT SITUS INVERSUS. Identifiers: MedGen C4539798, MONDO:0033204, OMIM 617577.
DNAH1-related disorder. Also called: DNAH1-related condition.

Allele frequency attached by ClinVar (database versions not stated): ESP Exome Variant Server 0.00008; gnomAD 0.00019; TOPMed 0.00023.
gnomAD v4.1: 911 of 1,607,464 alleles (0.057%); highest among the groups gnomAD compares: Non-Finnish European, 0.074%; 3 homozygotes.

Submissions (3):

Labcorp Genetics (formerly Invitae), Labcorp
Classification: Likely benign for Ciliary dyskinesia, primary, 37; Spermatogenic failure 18. Last evaluated: 2025-12-09. Review status: criteria provided, single submitter. Criteria: Invitae Variant Classification Sherloc (09022015). Collection method: clinical testing. Allele origin: germline.

ARUP Laboratories, Molecular Genetics and Genomics, ARUP Laboratories
Classification: Likely benign. Last evaluated: 2025-06-24. Review status: criteria provided, single submitter. Criteria: ARUP Molecular Germline Variant Investigation Process 2024. Collection method: clinical testing. Allele origin: germline.

PreventionGenetics, part of Exact Sciences
Classification: Likely benign for DNAH1-related condition. Last evaluated: 2019-02-28. Review status: no assertion criteria provided. Collection method: clinical testing. Allele origin: germline. Not counted in ClinVar's aggregate classification.
Comment: This variant is classified as likely benign based on ACMG/AMP sequence variant interpretation guidelines (Richards et al. 2015 PMID: 25741868, with internal and published modifications).

NM_015512.5(DNAH1):c.6474G>A (p.Ala2158=)

Gene: DNAH1 (dynein axonemal heavy chain 1; plus strand). Cytogenetic location: 3p21.1.
Variant type: single nucleotide variant.
Coding change: c.6474G>A on transcript NM_015512.5 (MANE Select); coding-DNA position 6474, G replaced by A.
Protein change: p.Ala2158=; no amino-acid change (alanine 2158 retained).
Molecular consequence: synonymous variant.
Genome position (GRCh38, 1-based): chr3:52,370,774, G>A. VCF-style: chr3-52370774-G-A. GRCh37 (hg19) VCF-style: chr3-52404790-G-A.
Identifiers: ClinVar variation 787551 (VCV000787551.10), dbSNP rs371470583, ClinGen allele CA2434530.